The following is an entry in ClinVar:

NM_001903.5(CTNNA1):c.881dup (p.Leu294fs)

Gene: CTNNA1 (catenin alpha 1; plus strand). Cytogenetic location: 5q31.2.
Variant type: Duplication.
Coding change: c.881dup on transcript NM_001903.5 (MANE Select); coding-DNA position 881, one base duplicated (T; older notation c.881dupT).
Protein change: p.Leu294fs; shifts the reading frame from leucine 294.
Molecular consequence: frameshift variant.
Genome position (GRCh38, 1-based): chr5:138,827,537, T duplicated; the last of 2 consecutive T bases (chr5:138,827,536-138,827,537); duplicating either gives the same sequence. VCF-style (leftmost placement, unchanged base first): chr5-138827535-C-CT. GRCh37 (hg19) VCF-style: chr5-138163224-C-CT.
Other names: c.881dup, p.Leu294fs (NM_001290307.3, NM_001323982.2, NM_001323983.1 and 3 more transcripts); c.572dup, p.Leu191fs (NM_001290309.3); c.512dup, p.Leu171fs (NM_001290310.3); short protein forms L294fs, L171fs, L191fs.
Identifiers: ClinVar variation 2823935 (VCV002823935.3), dbSNP rs2532446173, ClinGen allele CA2739275076.

ClinVar aggregate classification (germline): Pathogenic (1 of 4 stars; one submission).

Submission:

Labcorp Genetics (formerly Invitae), Labcorp
Classification: Pathogenic. Last evaluated: 2023-05-15. Review status: criteria provided, single submitter. Criteria: Invitae Variant Classification Sherloc (09022015). Collection method: clinical testing. Allele origin: germline.
Comment: For these reasons, this variant has been classified as Pathogenic. This variant has not been reported in the literature in individuals affected with CTNNA1-related conditions. This variant is not present in population databases (gnomAD no frequency). This sequence change creates a premature translational stop signal (p.Leu294Phefs*9) in the CTNNA1 gene. It is expected to result in an absent or disrupted protein product. Loss-of-function variants in CTNNA1 are known to be pathogenic (PMID: 32051609, 34425242).

Literature cited by the submitters: PubMed 32051609; PubMed 34425242.